The following is an entry in ClinVar:

NM_182746.3(MCM4):c.1361G>A (p.Arg454Lys)

Gene: MCM4 (minichromosome maintenance complex component 4; plus strand). Cytogenetic location: 8q11.21.
Variant type: single nucleotide variant.
Coding change: c.1361G>A on transcript NM_182746.3 (MANE Select); coding-DNA position 1361, G replaced by A.
Protein change: p.Arg454Lys; replaces arginine 454 with lysine.
Molecular consequence: missense variant.
Genome position (GRCh38, 1-based): chr8:47,969,984, G>A. VCF-style: chr8-47969984-G-A. GRCh37 (hg19) VCF-style: chr8-48882544-G-A.
Other names: c.1361G>A (NM_005914.3); c.1361G>A, p.Arg454Lys (NM_005914.4); short protein forms R454K.
Identifiers: ClinVar variation 2183273 (VCV002183273.4), dbSNP rs144675615, ClinGen allele CA4742597.

ClinVar aggregate classification (germline): Uncertain significance. Review status: criteria provided, multiple submitters, no conflicts (2 of 4 stars). 2 submissions from 2 submitters: Uncertain significance (2). Last evaluated 2026-01-06.

Allele frequency attached by ClinVar (database versions not stated): ExAC 0.00004; gnomAD 0.00011; ESP Exome Variant Server 0.00015; TOPMed 0.00015.
gnomAD v4.1: 39 of 1,614,098 alleles (0.0024%); highest among the groups gnomAD compares: African/African-American, 0.041%; no homozygotes.

Submissions (2):

Labcorp Genetics (formerly Invitae), Labcorp
Classification: Uncertain significance. Last evaluated: 2026-01-06. Review status: criteria provided, single submitter. Criteria: Invitae Variant Classification Sherloc (09022015). Collection method: clinical testing. Allele origin: germline.
Comment: This sequence change replaces arginine, which is basic and polar, with lysine, which is basic and polar, at codon 454 of the MCM4 protein (p.Arg454Lys). This variant is present in population databases (rs144675615, gnomAD 0.05%). This variant has not been reported in the literature in individuals affected with MCM4-related conditions. ClinVar contains an entry for this variant (Variation ID: 2183273). Invitae Evidence Modeling of protein sequence and biophysical properties (such as structural, functional, and spatial information, amino acid conservation, physicochemical variation, residue mobility, and thermodynamic stability) indicates that this missense variant is not expected to disrupt MCM4 protein function with a negative predictive value of 80%. In summary, the available evidence is currently insufficient to determine the role of this variant in disease. Therefore, it has been classified as a Variant of Uncertain Significance.

Ambry Genetics
Classification: Uncertain significance. Last evaluated: 2024-01-23. Review status: criteria provided, single submitter. Criteria: Ambry Variant Classification Scheme 2023. Collection method: clinical testing. Allele origin: germline.